The following is an entry in ClinVar:

NC_000022.11:g.40346269G>A

Gene: ADSL (adenylosuccinate lyase; plus strand). Cytogenetic location: 22q13.1.
Variant type: single nucleotide variant.
Genome position: GRCh38 VCF-style: chr22-40346269-G-A. GRCh37 (hg19) VCF-style: chr22-40742273-G-A.
Identifiers: ClinVar variation 1435005 (VCV001435005.3), dbSNP rs1258655937, ClinGen allele CA639408302.

ClinVar aggregate classification (germline): Uncertain significance (1 of 4 stars; one submission).

Conditions:
Adenylosuccinate lyase deficiency (ADSLD). Also called: ADSL DEFICIENCY. Identifiers: Orphanet 46, MedGen C0268126, MONDO:0007068, OMIM 103050.

Allele frequency attached by ClinVar (database versions not stated): gnomAD 0.00001; TOPMed 0.00002.

Submission:

Labcorp Genetics (formerly Invitae), Labcorp
Classification: Uncertain significance for Adenylosuccinate lyase deficiency. Last evaluated: 2021-08-22. Review status: criteria provided, single submitter. Criteria: Invitae Variant Classification Sherloc (09022015). Collection method: clinical testing. Allele origin: germline.
Comment: This variant occurs in a non-coding region of the ADSL gene. It does not change the encoded amino acid sequence of the ADSL protein. The frequency data for this variant in the population databases is considered unreliable, as metrics indicate insufficient coverage at this position in the ExAC database. This variant has not been reported in the literature in individuals affected with ADSL-related conditions. Experimental studies and prediction algorithms are not available or were not evaluated, and the functional significance of this variant is currently unknown. In summary, the available evidence is currently insufficient to determine the role of this variant in disease. Therefore, it has been classified as a Variant of Uncertain Significance.